The following is an entry in ClinVar:

NM_000465.4(BARD1):c.1059C>A (p.Pro353=)

Gene: BARD1 (BRCA1 associated RING domain 1; minus strand). Cytogenetic location: 2q35.
Variant type: single nucleotide variant.
Coding change: c.1059C>A on transcript NM_000465.4 (MANE Select); coding-DNA position 1059, C replaced by A.
Protein change: p.Pro353=; no amino-acid change (proline 353 retained).
Molecular consequence: synonymous variant. On other transcripts: non-coding transcript variant (2), intron variant (3).
Genome position (GRCh38, 1-based): chr2:214,780,815, G>T on the plus strand (C>A on the coding strand, the complement: BARD1 is on the minus strand). VCF-style: chr2-214780815-G-T. GRCh37 (hg19) VCF-style: chr2-215645539-G-T.
Other names: c.1002C>A, p.Pro334= (NM_001282543.2); c.159-28260C>A (NM_001282548.2); c.215+16246C>A (NM_001282545.2); c.364+11482C>A (NM_001282549.2).
Identifiers: ClinVar variation 184394 (VCV000184394.10), dbSNP rs368649242, ClinGen allele CA188830.

ClinVar aggregate classification (germline): Benign/Likely benign. Review status: criteria provided, multiple submitters, no conflicts (2 of 4 stars). 3 submissions from 3 submitters: Benign (1); Likely benign (2). Last evaluated 2024-11-13.

Conditions:
Hereditary cancer-predisposing syndrome. Also called: Hereditary neoplastic syndrome; Neoplastic Syndromes, Hereditary; Tumor predisposition; Hereditary Cancer Syndrome. Identifiers: Orphanet 140162, MedGen C0027672, MeSH D009386, MONDO:0015356.
Familial cancer of breast. Also called: BREAST CANCER, FAMILIAL; Hereditary breast cancer; hereditary breast carcinoma. Identifiers: Orphanet 227535, MedGen C0346153, MONDO:0016419, OMIM 114480. Disease mechanism: loss of function.

Submissions (3):

Ambry Genetics
Classification: Likely benign for Hereditary cancer-predisposing syndrome. Last evaluated: 2024-11-13. Review status: criteria provided, single submitter. Criteria: Ambry Variant Classification Scheme 2023. Collection method: clinical testing. Allele origin: germline.

Labcorp Genetics (formerly Invitae), Labcorp
Classification: Likely benign for Familial cancer of breast. Last evaluated: 2024-09-25. Review status: criteria provided, single submitter. Criteria: Invitae Variant Classification Sherloc (09022015). Collection method: clinical testing. Allele origin: germline.

Myriad Genetics, Inc.
Classification: Benign for Familial cancer of breast. Last evaluated: 2024-07-24. Review status: criteria provided, single submitter. Criteria: Myriad Autosomal Dominant, Autosomal Recessive and X-Linked Classification Criteria (2023). Collection method: clinical testing. Allele origin: unknown.
Comment: This variant is considered benign. This variant is a silent/synonymous amino acid change and it is not expected to impact splicing.